The following is an entry in ClinVar:

ClinVar aggregate classification (germline): Conflicting classifications of pathogenicity. Review status: criteria provided, conflicting classifications (1 of 4 stars). 3 submissions from 3 submitters: Uncertain significance (1); Likely benign (2). Last evaluated 2024-11-22.

Conditions:
Alport syndrome. Also called: Hemorrhagic familial nephritis; Hemorrhagic hereditary nephritis; Congenital hereditary hematuria. Identifiers: Orphanet 63, MedGen C1567741, MONDO:0018965.

Allele frequency attached by ClinVar (database versions not stated): ExAC 0.00075; TOPMed 0.00091; gnomAD exomes 0.00110; 1000 Genomes Project 30x 0.00125; gnomAD 0.00203 and 0.00217.
gnomAD v4.1: 2,066 of 1,529,732 alleles (0.14%); highest among the groups gnomAD compares: Non-Finnish European, 0.11%; 9 homozygotes.

Submissions (3):

Blueprint Genetics
Classification: Likely benign. Last evaluated: 2024-11-22. Review status: criteria provided, single submitter. Criteria: ACMG Guidelines, 2015. Collection method: clinical testing. Allele origin: germline.

GeneDx
Classification: Likely benign. Last evaluated: 2018-03-09. Review status: criteria provided, single submitter. Criteria: GeneDx Variant Classification (06012015). Collection method: clinical testing. Allele origin: germline. Affected: yes.
Comment: This variant is considered likely benign or benign based on one or more of the following criteria: it is a conservative change, it occurs at a poorly conserved position in the protein, it is predicted to be benign by multiple in silico algorithms, and/or has population frequency not consistent with disease.

Illumina Laboratory Services, Illumina
Classification: Uncertain significance for Alport syndrome. Last evaluated: 2018-01-13. Review status: criteria provided, single submitter. Criteria: ICSL Variant Classification Criteria 13 December 2019. Collection method: clinical testing. Allele origin: germline.

NM_000091.5(COL4A3):c.-13G>C

Genes: COL4A3 (collagen type IV alpha 3 chain; plus strand), LOC129935730 (ATAC-STARR-seq lymphoblastoid silent region 12397; plus strand). Cytogenetic location: 2q36.3.
Variant type: single nucleotide variant.
Coding change: c.-13G>C on transcript NM_000091.5 (MANE Select); 13 bases upstream of the start codon, G replaced by C.
Molecular consequence: 5 prime UTR variant.
Genome position (GRCh38, 1-based): chr2:227,164,714, G>C. VCF-style: chr2-227164714-G-C. GRCh37 (hg19) VCF-style: chr2-228029430-G-C.
Identifiers: ClinVar variation 334752 (VCV000334752.6), dbSNP rs770803750, ClinGen allele CA2145881.